The following is an entry in ClinVar:

ClinVar aggregate classification (germline): Likely pathogenic (1 of 4 stars; one submission).

Conditions:
WFS1-related disorder. Identifiers: MedGen CN379391, MONDO:0700293.

Submission:

PreventionGenetics, part of Exact Sciences
Classification: Likely pathogenic for WFS1-related condition. Last evaluated: 2026-04-06. Review status: criteria provided, single submitter. Criteria: ACMG Guidelines, 2015. Collection method: clinical testing. Allele origin: germline.
Comment: The WFS1 c.2257dupG variant is predicted to result in a frameshift and premature protein termination (p.Glu753Glyfs*6). To our knowledge, this variant has not been reported in the literature or in a large population database (gnomAD), indicating this variant is rare. Frameshift variants in WFS1 are expected to be pathogenic. This variant is interpreted as likely pathogenic.

NM_006005.3(WFS1):c.2257dup (p.Glu753fs)

Gene: WFS1 (wolframin ER transmembrane glycoprotein; plus strand). Cytogenetic location: 4p16.1.
Variant type: Duplication.
Coding change: c.2257dup on transcript NM_006005.3 (MANE Select); coding-DNA position 2257, one base duplicated (G; older notation c.2257dupG).
Protein change: p.Glu753fs; shifts the reading frame from glutamic acid 753.
Molecular consequence: frameshift variant.
Genome position (GRCh38, 1-based): chr4:6,302,052, G duplicated; the last of 2 consecutive G bases (chr4:6,302,051-6,302,052); duplicating either gives the same sequence. VCF-style (leftmost placement, unchanged base first): chr4-6302050-A-AG. GRCh37 (hg19) VCF-style: chr4-6303777-A-AG.
Other names: c.2257dup, p.Glu753fs (NM_001145853.1); c.2257dupG (NM_006005.3); short protein forms E753fs.
Identifiers: ClinVar variation 4995862 (VCV004995862.1).